The following is an entry in ClinVar:

ClinVar aggregate classification (germline): Benign/Likely benign. Review status: criteria provided, multiple submitters, no conflicts (2 of 4 stars). 3 submissions from 3 submitters: Benign (1); Likely benign (1). 1 of the submissions does not count toward it. Last evaluated 2025-07-14.

Conditions:
AUTS2-related disorder. Also called: AUTS2-related condition.

Allele frequency attached by ClinVar (database versions not stated): gnomAD exomes 0.00021 and 0.00005; gnomAD 0.00004; TOPMed 0.00006; ExAC 0.00017.
gnomAD v4.1: 71 of 1,613,924 alleles (0.0044%); highest among the groups gnomAD compares: Admixed American, 0.095%; no homozygotes.

Submissions (3):

Labcorp Genetics (formerly Invitae), Labcorp
Classification: Likely benign. Last evaluated: 2025-07-14. Review status: criteria provided, single submitter. Criteria: Invitae Variant Classification Sherloc (09022015). Collection method: clinical testing. Allele origin: germline.

GeneDx
Classification: Benign. Last evaluated: 2020-07-13. Review status: criteria provided, single submitter. Criteria: GeneDx Variant Classification Process June 2021. Collection method: clinical testing. Allele origin: germline. Affected: yes.

PreventionGenetics, part of Exact Sciences
Classification: Likely benign for AUTS2-related condition. Last evaluated: 2023-10-26. Review status: no assertion criteria provided. Collection method: clinical testing. Allele origin: germline. Not counted in ClinVar's aggregate classification.
Comment: This variant is classified as likely benign based on ACMG/AMP sequence variant interpretation guidelines (Richards et al. 2015 PMID: 25741868, with internal and published modifications).

NM_015570.4(AUTS2):c.947G>A (p.Arg316Gln)

Gene: AUTS2 (activator of transcription and developmental regulator AUTS2; plus strand). Cytogenetic location: 7q11.22.
Variant type: single nucleotide variant.
Coding change: c.947G>A on transcript NM_015570.4 (MANE Select); coding-DNA position 947, G replaced by A.
Protein change: p.Arg316Gln; replaces arginine 316 with glutamine.
Molecular consequence: missense variant.
Genome position (GRCh38, 1-based): chr7:70,763,074, G>A. VCF-style: chr7-70763074-G-A. GRCh37 (hg19) VCF-style: chr7-70228060-G-A.
Other names: c.947G>A (NM_015570.3); c.947G>A, p.Arg316Gln (NM_001127231.3); short protein forms R316Q.
Identifiers: ClinVar variation 1229474 (VCV001229474.10), dbSNP rs772514731, ClinGen allele CA4280518.